The following is an entry in ClinVar:

NM_005876.5(SPEG):c.614C>T (p.Thr205Ile)

Gene: SPEG (striated muscle enriched protein kinase; plus strand). Cytogenetic location: 2q35.
Variant type: single nucleotide variant.
Coding change: c.614C>T on transcript NM_005876.5 (MANE Select); coding-DNA position 614, C replaced by T.
Protein change: p.Thr205Ile; replaces threonine 205 with isoleucine.
Molecular consequence: missense variant.
Genome position (GRCh38, 1-based): chr2:219,444,960, C>T. VCF-style: chr2-219444960-C-T. GRCh37 (hg19) VCF-style: chr2-220309682-C-T.
Other names: c.644C>T, p.Thr215Ile (NM_001438924.1); c.614C>T, p.Thr205Ile (NM_001438925.1); c.332C>T, p.Thr111Ile (NM_001438926.1, NM_001438928.1, NM_001438929.1 and 1 more transcripts); c.302C>T, p.Thr101Ile (NM_001438927.1, NM_001438930.1, NM_001438934.1); c.275C>T, p.Thr92Ile (NM_001438931.1); c.245C>T, p.Thr82Ile (NM_001438932.1); short protein forms T101I, T111I, T205I, T215I, T82I, T92I.
Identifiers: ClinVar variation 5038755 (VCV005038755.1).

ClinVar aggregate classification (germline): Uncertain significance (1 of 4 stars; one submission).

gnomAD v4.1: 22 of 1,599,424 alleles (0.0014%); highest among the groups gnomAD compares: Non-Finnish European, 0.0019%; no homozygotes.

Submission:

CeGaT Center for Human Genetics Tuebingen
Classification: Uncertain significance. Last evaluated: 2026-08-01. Review status: criteria provided, single submitter. Criteria: CeGaT Center For Human Genetics Tuebingen Variant Classification Criteria Version 2. Collection method: clinical testing. Allele origin: germline. Affected: yes. Observed: 1 variant allele.
Comment: SPEG: PM2